The following is an entry in ClinVar:

NM_007194.4(CHEK2):c.1546dup (p.Ser516fs)

Gene: CHEK2 (checkpoint kinase 2; minus strand). Cytogenetic location: 22q12.1.
Variant type: Duplication.
Coding change: c.1546dup on transcript NM_007194.4 (MANE Select); coding-DNA position 1546, one base duplicated (T; older notation c.1546dupT).
Protein change: p.Ser516fs; shifts the reading frame from serine 516.
Molecular consequence: frameshift variant.
Genome position (GRCh38, 1-based): chr22:28,687,983, A duplicated on the plus strand (T on the coding strand, the reverse complement: CHEK2 is on the minus strand); the first of 2 consecutive A bases (chr22:28,687,983-28,687,984); duplicating either gives the same sequence. VCF-style (leftmost placement, unchanged base first): chr22-28687982-G-GA. GRCh37 (hg19) VCF-style: chr22-29083970-G-GA.
Other names: c.1546dupT (NM_007194.3); c.1674dup, p.Ser559Phefs (NM_001005735.3); c.882dup, p.Ser295Phefs (NM_001257387.3); c.1344dup, p.Ser449Phefs (NM_001349956.3); c.1458dup, p.Ser487Phefs (NM_145862.3); short protein forms S295fs, S487fs, S559fs, S449fs, S516fs.
Identifiers: ClinVar variation 530160 (VCV000530160.9), dbSNP rs1555911636, ClinGen allele CA658799500.

ClinVar aggregate classification (germline): Likely pathogenic (1 of 4 stars; one submission).

Conditions:
Familial cancer of breast. Also called: BREAST CANCER, FAMILIAL; Hereditary breast cancer; hereditary breast carcinoma. Identifiers: Orphanet 227535, MedGen C0346153, MONDO:0016419, OMIM 114480. Disease mechanism: loss of function.

Submission:

Labcorp Genetics (formerly Invitae), Labcorp
Classification: Likely pathogenic for Familial cancer of breast. Last evaluated: 2017-10-28. Review status: criteria provided, single submitter. Criteria: Invitae Variant Classification Sherloc (09022015). Collection method: clinical testing. Allele origin: germline.
Comment: In summary, the currently available evidence indicates that the variant is pathogenic, but additional data are needed to prove that conclusively. Therefore, this variant has been classified as Likely Pathogenic. This sequence change results in a premature translational stop signal in the CHEK2 gene (p.Ser516Phefs*3). While this is not anticipated to result in nonsense mediated decay, it is expected to disrupt the last 28 amino acids of the CHEK2 protein. This variant is not present in population databases (ExAC no frequency). This variant has not been reported in the literature in individuals with CHEK2-related disease. This variant is expected to disrupt a portion of the C-terminal region of the CHEK2 protein containing the nuclear localization signal (NLS) (residues Pro515-Pro522). Although functional studies have not been performed for this particular variant, disruption of the NLS likely impairs CHEK2 function, as variants within the NLS result in CHEK2 mislocalization to the cytoplasm (PMID: 12909615, 18004398, 24879340). This suggests that disruption of this region of the CHEK2 protein is causative of disease.

Literature cited by the submitters: PubMed 12909615; PubMed 18004398; PubMed 24879340.